The following is an entry in ClinVar:

ClinVar aggregate classification (germline): Pathogenic (1 of 4 stars; one submission).

Conditions:
Joubert syndrome 3 (JBTS3). Also called: AHI1-related Ciliopathy. Identifiers: Orphanet 220493, MedGen C1837713, MONDO:0012078, OMIM 608629.

Submission:

Myriad Genetics, Inc.
Classification: Pathogenic for Joubert syndrome 3. Last evaluated: 2025-02-18. Review status: criteria provided, single submitter. Criteria: Myriad Autosomal Dominant, Autosomal Recessive and X-Linked Classification Criteria (2023). Collection method: clinical testing. Allele origin: unknown.
Comment: NM_001134831.1(AHI1):c.1013T>A(L338*) is expected to be pathogenic in the context of Joubert syndrome, AHI1-related. This variant is predicted to lead to an abnormal or absent protein product due to the creation of a premature termination codon in AHI1, a gene where loss-of-function variants are known to be pathogenic. Please note: this variant was assessed in the context of healthy population screening.

NM_001134831.2(AHI1):c.1013T>A (p.Leu338Ter)

Gene: AHI1 (Abelson helper integration site 1; minus strand). Cytogenetic location: 6q23.3.
Variant type: single nucleotide variant.
Coding change: c.1013T>A on transcript NM_001134831.2 (MANE Select); coding-DNA position 1013, T replaced by A.
Protein change: p.Leu338Ter; replaces leucine 338 with a stop codon.
Molecular consequence: nonsense.
Genome position (GRCh38, 1-based): chr6:135,457,632, A>T on the plus strand (T>A on the coding strand, the complement: AHI1 is on the minus strand). VCF-style: chr6-135457632-A-T. GRCh37 (hg19) VCF-style: chr6-135778770-A-T.
Other names: c.1013T>A, p.Leu338Ter (NM_001134830.2, NM_001134832.2, NM_001350503.2 and 2 more transcripts); short protein forms L338*.
Identifiers: ClinVar variation 5014111 (VCV005014111.1).